The following is an entry in ClinVar:

ClinVar aggregate classification (germline): Uncertain significance (1 of 4 stars; one submission).

Allele frequency attached by ClinVar (database versions not stated): gnomAD exomes below 0.00001; gnomAD 0.00001.
gnomAD v4.1: 2 of 1,607,696 alleles (0.00012%); highest among the groups gnomAD compares: East Asian, 0.0045%; no homozygotes.

Submission:

Labcorp Genetics (formerly Invitae), Labcorp
Classification: Uncertain significance. Last evaluated: 2025-07-23. Review status: criteria provided, single submitter. Criteria: Invitae Variant Classification Sherloc (09022015). Collection method: clinical testing. Allele origin: germline.
Comment: This sequence change falls in intron 8 of the PRPF8 gene. It does not directly change the encoded amino acid sequence of the PRPF8 protein. It affects a nucleotide within the consensus splice site. This variant is present in population databases (no rsID available, gnomAD 0.06%). This variant has not been reported in the literature in individuals affected with PRPF8-related conditions. ClinVar contains an entry for this variant (Variation ID: 1906566). Variants that disrupt the consensus splice site are a relatively common cause of aberrant splicing (PMID: 17576681, 9536098). Algorithms developed to predict the effect of sequence changes on RNA splicing suggest that this variant is not likely to affect RNA splicing. In summary, the available evidence is currently insufficient to determine the role of this variant in disease. Therefore, it has been classified as a Variant of Uncertain Significance.

Literature cited by the submitters: PubMed 17576681; PubMed 9536098.

NM_006445.4(PRPF8):c.1098+6G>T

Gene: PRPF8 (pre-mRNA processing factor 8; minus strand). Cytogenetic location: 17p13.3.
Variant type: single nucleotide variant.
Coding change: c.1098+6G>T on transcript NM_006445.4 (MANE Select); 6 bases into the intron after coding-DNA position 1098, G replaced by T.
Molecular consequence: intron variant.
Genome position (GRCh38, 1-based): chr17:1,680,720, C>A on the plus strand (G>T on the coding strand, the complement: PRPF8 is on the minus strand). VCF-style: chr17-1680720-C-A. GRCh37 (hg19) VCF-style: chr17-1584014-C-A.
Identifiers: ClinVar variation 1906566 (VCV001906566.5), dbSNP rs1418244549, ClinGen allele CA624472451.